The following is an entry in ClinVar:

NM_006231.4(POLE):c.1186dup (p.Glu396fs)

Gene: POLE (DNA polymerase epsilon, catalytic subunit; minus strand). Cytogenetic location: 12q24.33.
Variant type: Duplication.
Coding change: c.1186dup on transcript NM_006231.4 (MANE Select); coding-DNA position 1186, one base duplicated (G; older notation c.1186dupG).
Protein change: p.Glu396fs; shifts the reading frame from glutamic acid 396.
Molecular consequence: frameshift variant.
Genome position (GRCh38, 1-based): chr12:132,675,438, C duplicated on the plus strand (G on the coding strand, the reverse complement: POLE is on the minus strand); the first of 5 consecutive C bases (chr12:132,675,438-132,675,442); duplicating any one gives the same sequence. VCF-style (leftmost placement, unchanged base first): chr12-132675437-T-TC. GRCh37 (hg19) VCF-style: chr12-133252023-T-TC.
Other names: short protein forms E396fs.
Identifiers: ClinVar variation 1389472 (VCV001389472.6), dbSNP rs2136008692, ClinGen allele CA2573148344.

ClinVar aggregate classification (germline): Pathogenic (1 of 4 stars; one submission).

Submission:

Labcorp Genetics (formerly Invitae), Labcorp
Classification: Pathogenic. Last evaluated: 2022-05-12. Review status: criteria provided, single submitter. Criteria: Invitae Variant Classification Sherloc (09022015). Collection method: clinical testing. Allele origin: germline.
Comment: This sequence change creates a premature translational stop signal (p.Glu396Glyfs*28) in the POLE gene. It is expected to result in an absent or disrupted protein product. Loss-of-function variants in POLE are known to be pathogenic (PMID: 23230001, 25948378, 30503519). For these reasons, this variant has been classified as Pathogenic. This variant has not been reported in the literature in individuals affected with POLE-related conditions. This variant is not present in population databases (gnomAD no frequency).

Literature cited by the submitters: PubMed 23230001; PubMed 25948378; PubMed 30503519.